The following is an entry in ClinVar:

ClinVar aggregate classification (germline): Uncertain significance (1 of 4 stars; one submission).

Allele frequency attached by ClinVar (database versions not stated): ESP Exome Variant Server 0.00023; gnomAD 0.00036 and 0.00040; 1000 Genomes Project 30x 0.00047; 1000 Genomes Project 0.00060.
gnomAD v4.1: 102 of 1,614,230 alleles (0.0063%); highest among the groups gnomAD compares: African/African-American, 0.1%; no homozygotes.

Submission:

Labcorp Genetics (formerly Invitae), Labcorp
Classification: Uncertain significance. Last evaluated: 2025-06-27. Review status: criteria provided, single submitter. Criteria: Invitae Variant Classification Sherloc (09022015). Collection method: clinical testing. Allele origin: germline.
Comment: This sequence change replaces valine, which is neutral and non-polar, with methionine, which is neutral and non-polar, at codon 682 of the MMP9 protein (p.Val682Met). This variant is present in population databases (rs137904662, gnomAD 0.1%), and has an allele count higher than expected for a pathogenic variant. This variant has not been reported in the literature in individuals affected with MMP9-related conditions. ClinVar contains an entry for this variant (Variation ID: 1426148). Invitae Evidence Modeling of protein sequence and biophysical properties (such as structural, functional, and spatial information, amino acid conservation, physicochemical variation, residue mobility, and thermodynamic stability) indicates that this missense variant is not expected to disrupt MMP9 protein function with a negative predictive value of 80%. In summary, the available evidence is currently insufficient to determine the role of this variant in disease. Therefore, it has been classified as a Variant of Uncertain Significance.

NM_004994.3(MMP9):c.2044G>A (p.Val682Met)

Genes: MMP9 (matrix metallopeptidase 9; plus strand), SLC12A5-AS1 (SLC12A5 and MMP9 antisense RNA 1; minus strand). Cytogenetic location: 20q13.12.
Variant type: single nucleotide variant.
Coding change: c.2044G>A on transcript NM_004994.3 (MANE Select); coding-DNA position 2044, G replaced by A.
Protein change: p.Val682Met; replaces valine 682 with methionine.
Molecular consequence: missense variant.
Genome position (GRCh38, 1-based): chr20:46,016,288, G>A. VCF-style: chr20-46016288-G-A. GRCh37 (hg19) VCF-style: chr20-44644927-G-A.
Other names: short protein forms V682M.
Identifiers: ClinVar variation 1426148 (VCV001426148.6), dbSNP rs137904662, ClinGen allele CA9886884.